The following is an entry in ClinVar:

ClinVar aggregate classification (germline): Uncertain significance. Review status: criteria provided, multiple submitters, no conflicts (2 of 4 stars). 3 submissions from 3 submitters: Uncertain significance (3). Last evaluated 2025-05-22.

Conditions:
Inborn genetic diseases. Identifiers: MedGen C0950123, MeSH D030342.
CDK13-related disorder. Also called: CDK13-related condition. Identifiers: MedGen C5816700.

Allele frequency attached by ClinVar (database versions not stated): TOPMed 0.00002; gnomAD 0.00003.
gnomAD v4.1: 38 of 1,484,406 alleles (0.0026%); highest among the groups gnomAD compares: Non-Finnish European, 0.0032%; no homozygotes.

Submissions (3):

Labcorp Genetics (formerly Invitae), Labcorp
Classification: Uncertain significance. Last evaluated: 2025-05-22. Review status: criteria provided, single submitter. Criteria: Invitae Variant Classification Sherloc (09022015). Collection method: clinical testing. Allele origin: germline.
Comment: This sequence change replaces arginine, which is basic and polar, with cysteine, which is neutral and slightly polar, at codon 364 of the CDK13 protein (p.Arg364Cys). The frequency data for this variant in the population databases is considered unreliable, as metrics indicate poor data quality at this position in the gnomAD database. This variant has not been reported in the literature in individuals affected with CDK13-related conditions. ClinVar contains an entry for this variant (Variation ID: 2214932). Invitae Evidence Modeling of protein sequence and biophysical properties (such as structural, functional, and spatial information, amino acid conservation, physicochemical variation, residue mobility, and thermodynamic stability) has been performed for this missense variant. However, the output from this modeling did not meet the statistical confidence thresholds required to predict the impact of this variant on CDK13 protein function. In summary, the available evidence is currently insufficient to determine the role of this variant in disease. Therefore, it has been classified as a Variant of Uncertain Significance.

PreventionGenetics, part of Exact Sciences
Classification: Uncertain significance for CDK13-related condition. Last evaluated: 2022-12-20. Review status: criteria provided, single submitter. Criteria: ACMG Guidelines, 2015. Collection method: clinical testing. Allele origin: germline.
Comment: The CDK13 c.1090C>T variant is predicted to result in the amino acid substitution p.Arg364Cys. To our knowledge, this variant has not been reported in the literature. This variant is reported in 0.0016% of alleles in individuals of European (Non-Finnish) descent in gnomAD. At this time, the clinical significance of this variant is uncertain due to the absence of conclusive functional and genetic evidence.

Ambry Genetics
Classification: Uncertain significance for Inborn genetic diseases. Last evaluated: 2021-10-14. Review status: criteria provided, single submitter. Criteria: Ambry Variant Classification Scheme 2023. Collection method: clinical testing. Allele origin: germline.

NM_003718.5(CDK13):c.1090C>T (p.Arg364Cys)

Gene: CDK13 (cyclin dependent kinase 13; plus strand). Cytogenetic location: 7p14.1.
Variant type: single nucleotide variant.
Coding change: c.1090C>T on transcript NM_003718.5 (MANE Select); coding-DNA position 1090, C replaced by T.
Protein change: p.Arg364Cys; replaces arginine 364 with cysteine.
Molecular consequence: missense variant.
Genome position (GRCh38, 1-based): chr7:39,951,731, C>T. VCF-style: chr7-39951731-C-T. GRCh37 (hg19) VCF-style: chr7-39991330-C-T.
Other names: c.1090C>T, p.Arg364Cys (NM_031267.4); short protein forms R364C.
Identifiers: ClinVar variation 2214932 (VCV002214932.4), dbSNP rs1247860765, ClinGen allele CA367311444.